The following is an entry in ClinVar:

NM_002250.3(KCNN4):c.1247C>G (p.Pro416Arg)

Gene: KCNN4 (potassium calcium-activated channel subfamily N member 4; minus strand). Cytogenetic location: 19q13.31.
Variant type: single nucleotide variant.
Coding change: c.1247C>G on transcript NM_002250.3 (MANE Select); coding-DNA position 1247, C replaced by G.
Protein change: p.Pro416Arg; replaces proline 416 with arginine.
Molecular consequence: missense variant.
Genome position (GRCh38, 1-based): chr19:43,767,580, G>C on the plus strand (C>G on the coding strand, the complement: KCNN4 is on the minus strand). VCF-style: chr19-43767580-G-C. GRCh37 (hg19) VCF-style: chr19-44271732-G-C.
Other names: short protein forms P416R.
Identifiers: ClinVar variation 4079063 (VCV004079063.2).

ClinVar aggregate classification (germline): Uncertain significance. Review status: criteria provided, multiple submitters, no conflicts (2 of 4 stars). 2 submissions from 2 submitters: Uncertain significance (2). Last evaluated 2025-08-06.

Conditions:
Dehydrated hereditary stomatocytosis 2 (DHS2). Also called: DESICCYTOSIS GARDOS; XEROCYTOSIS GARDOS. Identifiers: Orphanet 3202, MedGen C4225242, MONDO:0014737, OMIM 616689.

gnomAD v4.1: 17 of 1,614,014 alleles (0.0011%); highest among the groups gnomAD compares: Non-Finnish European, 0.0014%; no homozygotes.

Submissions (2):

Labcorp Genetics (formerly Invitae), Labcorp
Classification: Uncertain significance. Last evaluated: 2025-08-06. Review status: criteria provided, single submitter. Criteria: Invitae Variant Classification Sherloc (09022015). Collection method: clinical testing. Allele origin: germline.
Comment: This sequence change replaces proline, which is neutral and non-polar, with arginine, which is basic and polar, at codon 416 of the KCNN4 protein (p.Pro416Arg). This variant is present in population databases (rs201058270, gnomAD 0.004%). This variant has not been reported in the literature in individuals affected with KCNN4-related conditions. An algorithm developed to predict the effect of missense changes on protein structure and function (PolyPhen-2) suggests that this variant is likely to be tolerated. In summary, the available evidence is currently insufficient to determine the role of this variant in disease. Therefore, it has been classified as a Variant of Uncertain Significance.

Revvity Omics, Revvity
Classification: Uncertain significance for Dehydrated hereditary stomatocytosis 2. Last evaluated: 2023-10-04. Review status: criteria provided, single submitter. Criteria: ACMG Guidelines, 2015. Collection method: clinical testing. Allele origin: germline.